The following is an entry in ClinVar:

NM_001369.3(DNAH5):c.4922G>A (p.Gly1641Glu)

Genes: DNAH5 (dynein axonemal heavy chain 5; minus strand), LOC126807318 (MED14-independent group 3 enhancer GRCh37_chr5:13858976-13860175; plus strand). Cytogenetic location: 5p15.2.
Variant type: single nucleotide variant.
Coding change: c.4922G>A on transcript NM_001369.3 (MANE Select); coding-DNA position 4922, G replaced by A.
Protein change: p.Gly1641Glu; replaces glycine 1641 with glutamic acid.
Molecular consequence: missense variant.
Genome position (GRCh38, 1-based): chr5:13,859,480, C>T on the plus strand (G>A on the coding strand, the complement: DNAH5 is on the minus strand). VCF-style: chr5-13859480-C-T. GRCh37 (hg19) VCF-style: chr5-13859589-C-T.
Other names: short protein forms G1641E.
Identifiers: ClinVar variation 4686540 (VCV004686540.1).

ClinVar aggregate classification (germline): Uncertain significance (1 of 4 stars; one submission).

gnomAD v4.1: 1 of 1,614,038 alleles (0.000062%); highest among the groups gnomAD compares: Non-Finnish European, 0.000085%; no homozygotes.

Submission:

GeneDx
Classification: Uncertain significance. Last evaluated: 2025-07-18. Review status: criteria provided, single submitter. Criteria: GeneDx Variant Classification Process June 2021. Collection method: clinical testing. Allele origin: germline. Affected: yes.
Comment: Not observed at significant frequency in large population cohorts (gnomAD); In silico analysis supports that this missense variant has a deleterious effect on protein structure/function; Has not been previously published as pathogenic or benign to our knowledge